The following is an entry in ClinVar:

ClinVar aggregate classification (germline): Uncertain significance (1 of 4 stars; one submission).

Submission:

Labcorp Genetics (formerly Invitae), Labcorp
Classification: Uncertain significance. Last evaluated: 2024-03-24. Review status: criteria provided, single submitter. Criteria: Invitae Variant Classification Sherloc (09022015). Collection method: clinical testing. Allele origin: germline.
Comment: This sequence change replaces lysine, which is basic and polar, with glutamic acid, which is acidic and polar, at codon 642 of the CASZ1 protein (p.Lys642Glu). This variant is not present in population databases (gnomAD no frequency). This variant has not been reported in the literature in individuals affected with CASZ1-related conditions. An algorithm developed to predict the effect of missense changes on protein structure and function (PolyPhen-2) suggests that this variant is likely to be disruptive. In summary, the available evidence is currently insufficient to determine the role of this variant in disease. Therefore, it has been classified as a Variant of Uncertain Significance.

NM_001079843.3(CASZ1):c.1924A>G (p.Lys642Glu)

Gene: CASZ1 (castor zinc finger 1; minus strand). Cytogenetic location: 1p36.22.
Variant type: single nucleotide variant.
Coding change: c.1924A>G on transcript NM_001079843.3 (MANE Select); coding-DNA position 1924, A replaced by G.
Protein change: p.Lys642Glu; replaces lysine 642 with glutamic acid.
Molecular consequence: missense variant.
Genome position (GRCh38, 1-based): chr1:10,654,133, T>C on the plus strand (A>G on the coding strand, the complement: CASZ1 is on the minus strand). VCF-style: chr1-10654133-T-C. GRCh37 (hg19) VCF-style: chr1-10714190-T-C.
Other names: c.1924A>G, p.Lys642Glu (NM_017766.5); short protein forms K642E.
Identifiers: ClinVar variation 3647427 (VCV003647427.2).